The following is an entry in ClinVar:

NM_001123385.2(BCOR):c.4347G>A (p.Met1449Ile)

Gene: BCOR (BCL6 corepressor; minus strand). Cytogenetic location: Xp11.4.
Variant type: single nucleotide variant.
Coding change: c.4347G>A on transcript NM_001123385.2 (MANE Select); coding-DNA position 4347, G replaced by A.
Protein change: p.Met1449Ile; replaces methionine 1449 with isoleucine.
Molecular consequence: missense variant.
Genome position (GRCh38, 1-based): chrX:40,062,220, C>T on the plus strand (G>A on the coding strand, the complement: BCOR is on the minus strand). VCF-style: chrX-40062220-C-T. GRCh37 (hg19) VCF-style: chrX-39921473-C-T.
Other names: c.4245G>A, p.Met1415Ile (NM_001123383.2, NM_001438208.1, NM_017745.6); c.4191G>A, p.Met1397Ile (NM_001123384.2); c.4347G>A, p.Met1449Ile (NM_001437510.1, NM_001437511.1); c.4293G>A, p.Met1431Ile (NM_001438207.1); short protein forms M1397I, M1431I, M1415I, M1449I.
Identifiers: ClinVar variation 4745408 (VCV004745408.1).
Genomic context (GRCh38, chrX:40,062,220, plus strand): 5'-CCGCTGCAGAAGGGTCTCGCCAGCGTTCTTATTGACAATAAGTCTCCGTGCTTCCGGCGG[C>T]ATAGGGCGAGACTGGGTGGTCTCCTGAGGGGAACTTGAGCATGGCAGCTGTGTGGACTGG-3'
Protein context (NP_001116857.1, residues 1439-1459): SPQETTQSRP[Met1449Ile]PPEARRLIVN

ClinVar aggregate classification (germline): Uncertain significance (1 of 4 stars; one submission).

Conditions:
Oculofaciocardiodental syndrome (MCOPS2). Identifiers: Orphanet 2712, MedGen C1846265, MONDO:0010261, OMIM 300166.

Submission:

Labcorp Genetics (formerly Invitae), Labcorp
Classification: Uncertain significance for Oculofaciocardiodental syndrome. Last evaluated: 2025-03-05. Review status: criteria provided, single submitter. Criteria: Invitae Variant Classification Sherloc (09022015). Collection method: clinical testing. Allele origin: germline.
Comment: This sequence change replaces methionine, which is neutral and non-polar, with isoleucine, which is neutral and non-polar, at codon 1415 of the BCOR protein (p.Met1415Ile). This variant is not present in population databases (gnomAD no frequency). This variant has not been reported in the literature in individuals affected with BCOR-related conditions. Invitae Evidence Modeling of protein sequence and biophysical properties (such as structural, functional, and spatial information, amino acid conservation, physicochemical variation, residue mobility, and thermodynamic stability) indicates that this missense variant is not expected to disrupt BCOR protein function with a negative predictive value of 80%. In summary, the available evidence is currently insufficient to determine the role of this variant in disease. Therefore, it has been classified as a Variant of Uncertain Significance.